The following is an entry in ClinVar:

NM_000202.8(IDS):c.727C>T (p.Pro243Ser)

Genes: IDS (iduronate 2-sulfatase; minus strand), LOC106050102 (IDS recombination region; plus strand). Cytogenetic location: Xq28.
Variant type: single nucleotide variant.
Coding change: c.727C>T on transcript NM_000202.8 (MANE Select); coding-DNA position 727, C replaced by T.
Protein change: p.Pro243Ser; replaces proline 243 with serine.
Molecular consequence: missense variant. On other transcripts: non-coding transcript variant (1).
Genome position (GRCh38, 1-based): chrX:149,496,498, G>A on the plus strand (C>T on the coding strand, the complement: IDS is on the minus strand). VCF-style: chrX-149496498-G-A. GRCh37 (hg19) VCF-style: chrX-148578029-G-A.
Other names: c.457C>T, p.Pro153Ser (NM_001166550.4); c.727C>T, p.Pro243Ser (NM_006123.5); c.727C>T (NM_000202.5, NM_000202.7); short protein forms P243S, P153S.
Identifiers: ClinVar variation 457355 (VCV000457355.29), dbSNP rs143474305, ClinGen allele CA10537613.

ClinVar aggregate classification (germline): Benign/Likely benign. Review status: criteria provided, multiple submitters, no conflicts (2 of 4 stars). 6 submissions from 6 submitters: Benign (1); Likely benign (2). 3 of the submissions do not count toward it. Last evaluated 2025-12-29.

Conditions:
Inborn genetic diseases. Identifiers: MedGen C0950123, MeSH D030342.
Mucopolysaccharidosis, MPS-II (MPS2). Also called: Mucopolysaccharidosis with skin involvement; Hunter Syndrome; IDURONATE 2-SULFATASE DEFICIENCY; Mucopolysaccharidosis Type II; IDS deficiency; Sulfoiduronate sulfatase deficiency. Identifiers: Orphanet 580, Orphanet 79388, MedGen C0026705, MONDO:0010674, OMIM 309900.
IDS-related disorder. Also called: IDS-related condition.

Allele frequency attached by ClinVar (database versions not stated): ESP Exome Variant Server 0.00009; ExAC 0.00010; gnomAD exomes 0.00014 and 0.00018; gnomAD 0.00015 and 0.00023; TOPMed 0.00025.

Submissions (6):

Labcorp Genetics (formerly Invitae), Labcorp
Classification: Benign for Mucopolysaccharidosis, MPS-II. Last evaluated: 2025-12-29. Review status: criteria provided, single submitter. Criteria: Invitae Variant Classification Sherloc (09022015). Collection method: clinical testing. Allele origin: germline.

CeGaT Center for Human Genetics Tuebingen
Classification: Likely benign. Last evaluated: 2025-10-01. Review status: criteria provided, single submitter. Criteria: CeGaT Center For Human Genetics Tuebingen Variant Classification Criteria Version 2. Collection method: clinical testing. Allele origin: germline. Affected: yes. Observed: 2 variant alleles.
Comment: IDS: BS2

Ambry Genetics
Classification: Likely benign for Inborn genetic diseases. Last evaluated: 2025-08-09. Review status: criteria provided, single submitter. Criteria: Ambry Variant Classification Scheme 2023. Collection method: clinical testing. Allele origin: germline.

PreventionGenetics, part of Exact Sciences
Classification: Likely benign for IDS-related condition. Last evaluated: 2022-06-17. Review status: no assertion criteria provided. Collection method: clinical testing. Allele origin: germline. Not counted in ClinVar's aggregate classification.
Comment: This variant is classified as likely benign based on ACMG/AMP sequence variant interpretation guidelines (Richards et al. 2015 PMID: 25741868, with internal and published modifications).

Clinical Genetics DNA and cytogenetics Diagnostics Lab, Erasmus MC, Erasmus Medical Center
Classification: Likely benign. Review status: no assertion criteria provided. Collection method: clinical testing. Allele origin: germline. Affected: yes. Study: VKGL Data-share Consensus. Not counted in ClinVar's aggregate classification.

Diagnostic Laboratory, Department of Genetics, University Medical Center Groningen
Classification: Likely benign. Review status: no assertion criteria provided. Collection method: clinical testing. Allele origin: germline. Affected: yes. Study: VKGL Data-share Consensus. Not counted in ClinVar's aggregate classification.